The following is an entry in ClinVar:

NM_213720.3(CHCHD10):c.171G>A (p.Val57=)

Gene: CHCHD10 (coiled-coil-helix-coiled-coil-helix domain containing 10; minus strand). Cytogenetic location: 22q11.23.
Variant type: single nucleotide variant.
Coding change: c.171G>A on transcript NM_213720.3 (MANE Select); coding-DNA position 171, G replaced by A.
Protein change: p.Val57=; no amino-acid change (valine 57 retained).
Molecular consequence: synonymous variant. On other transcripts: non-coding transcript variant (1).
Genome position (GRCh38, 1-based): chr22:23,767,464, C>T on the plus strand (G>A on the coding strand, the complement: CHCHD10 is on the minus strand). VCF-style: chr22-23767464-C-T. GRCh37 (hg19) VCF-style: chr22-24109651-C-T.
Other names: c.171G>A, p.Val57= (NM_001301339.2).
Identifiers: ClinVar variation 506461 (VCV000506461.43), dbSNP rs780298646, ClinGen allele CA10145301.

ClinVar aggregate classification (germline): Likely benign. Review status: criteria provided, multiple submitters, no conflicts (2 of 4 stars). 6 submissions from 6 submitters: Likely benign (5). 1 of the submissions does not count toward it. Last evaluated 2025-11-05.

Conditions:
CHCHD10-related disorder. Also called: CHCHD10-related condition; CHCHD10-Related Disorders. Identifiers: MedGen CN381526.
Frontotemporal dementia and/or amyotrophic lateral sclerosis 2. Also called: FTDALS2. Identifiers: Orphanet 275872, MedGen C4014648, MONDO:0014395, OMIM 615911.
Autosomal dominant mitochondrial myopathy with exercise intolerance (IMMD). Also called: Myopathy, isolated mitochondrial, autosomal dominant. Identifiers: Orphanet 457050, MedGen C4015513, MONDO:0014532, OMIM 616209.
Lower motor neuron syndrome with late-adult onset (SMAJ). Also called: Late-Onset Spinal Motor Neuronopathy (SMAJ); Spinal muscular atrophy, Jokela type. Identifiers: Orphanet 276435, MedGen C3554398, MONDO:0014025, OMIM 615048.
Inborn genetic diseases. Identifiers: MedGen C0950123, MeSH D030342.

Allele frequency attached by ClinVar (database versions not stated): gnomAD exomes 0.00005; gnomAD 0.00006 and 0.00007; TOPMed 0.00011; ExAC 0.00012.
gnomAD v4.1: 224 of 1,596,260 alleles (0.014%); highest among the groups gnomAD compares: Non-Finnish European, 0.018%; no homozygotes.

Submissions (6):

Labcorp Genetics (formerly Invitae), Labcorp
Classification: Likely benign for Lower motor neuron syndrome with late-adult onset; Frontotemporal dementia and/or amyotrophic lateral sclerosis 2; Autosomal dominant mitochondrial myopathy with exercise intolerance. Last evaluated: 2025-11-05. Review status: criteria provided, single submitter. Criteria: Invitae Variant Classification Sherloc (09022015). Collection method: clinical testing. Allele origin: germline.

Blueprint Genetics
Classification: Likely benign. Last evaluated: 2024-10-14. Review status: criteria provided, single submitter. Criteria: ACMG Guidelines, 2015. Collection method: clinical testing. Allele origin: germline.

CeGaT Center for Human Genetics Tuebingen
Classification: Likely benign. Last evaluated: 2023-02-01. Review status: criteria provided, single submitter. Criteria: CeGaT Center For Human Genetics Tuebingen Variant Classification Criteria Version 2. Collection method: clinical testing. Allele origin: germline. Affected: yes. Observed: 1 variant allele.
Comment: CHCHD10: BP4, BP7

Ambry Genetics
Classification: Likely benign for Inborn genetic diseases. Last evaluated: 2019-07-11. Review status: criteria provided, single submitter. Criteria: Ambry Variant Classification Scheme 2023. Collection method: clinical testing. Allele origin: germline.

GeneDx
Classification: Likely benign. Last evaluated: 2017-01-25. Review status: criteria provided, single submitter. Criteria: GeneDx Variant Classification (06012015). Collection method: clinical testing. Allele origin: germline. Affected: yes.
Comment: This variant is considered likely benign or benign based on one or more of the following criteria: it is a conservative change, it occurs at a poorly conserved position in the protein, it is predicted to be benign by multiple in silico algorithms, and/or has population frequency not consistent with disease.

PreventionGenetics, part of Exact Sciences
Classification: Likely benign for CHCHD10-related condition. Last evaluated: 2023-02-07. Review status: no assertion criteria provided. Collection method: clinical testing. Allele origin: germline. Not counted in ClinVar's aggregate classification.
Comment: This variant is classified as likely benign based on ACMG/AMP sequence variant interpretation guidelines (Richards et al. 2015 PMID: 25741868, with internal and published modifications).